The following is an entry in ClinVar:

NM_000053.4(ATP7B):c.3352C>T (p.Arg1118Cys)

Gene: ATP7B (ATPase copper transporting beta; minus strand). Cytogenetic location: 13q14.3.
Variant type: single nucleotide variant.
Coding change: c.3352C>T on transcript NM_000053.4 (MANE Select); coding-DNA position 3352, C replaced by T.
Protein change: p.Arg1118Cys; replaces arginine 1118 with cysteine.
Molecular consequence: missense variant.
Genome position (GRCh38, 1-based): chr13:51,942,446, G>A on the plus strand (C>T on the coding strand, the complement: ATP7B is on the minus strand). VCF-style: chr13-51942446-G-A. GRCh37 (hg19) VCF-style: chr13-52516582-G-A.
Other names: c.3208C>T, p.Arg1070Cys (NM_001406522.1, NM_001406520.1, NM_001406521.1); c.3169C>T, p.Arg1057Cys (NM_001406523.1); c.3175C>T, p.Arg1059Cys (NM_001406524.1); c.3157C>T, p.Arg1053Cys (NM_001406525.1); c.3352C>T, p.Arg1118Cys (NM_001406526.1, NM_001406511.1, NM_001406512.1); c.3118C>T, p.Arg1040Cys (NM_001406527.1, NM_001406528.1, NM_001330578.2 and 1 more transcripts); c.3112C>T, p.Arg1038Cys (NM_001406530.1); c.3100C>T, p.Arg1034Cys (NM_001406531.1, NM_001406532.1, NM_001330579.2); and 20 more; short protein forms R1008C, R1053C, R1070C, R1086C, R1100C, R1118C, R688C, R924C.
Identifiers: ClinVar variation 2193677 (VCV002193677.4), dbSNP rs545284208, ClinGen allele CA6988729.
Genomic context (GRCh38, chr13:51,942,446, plus strand): 5'-CTTTTTCTGCGGGAAGGCTGCCAGCCTCATTCAGGTGACTGGCCGGTGCACTCAAAGGGC[G>A]CTCACTGTGGGCCAGGATGCCTTCCACGTTGCTGACTTTGCACCCAATTCCACAGCCTGG-3'
Protein context (NP_000044.2, residues 1108-1128): NVEGILAHSE[Arg1118Cys]PLSAPASHLN

ClinVar aggregate classification (germline): Uncertain significance. Review status: criteria provided, multiple submitters, no conflicts (2 of 4 stars). 3 submissions from 3 submitters: Uncertain significance (3). Last evaluated 2024-05-03.

Conditions:
Wilson disease (WND). Also called: Wilson's disease. Identifiers: Orphanet 905, MedGen C0019202, MONDO:0010200, OMIM 277900. Disease mechanism: loss of function.

Allele frequency attached by ClinVar (database versions not stated): ExAC 0.00001; gnomAD exomes 0.00001; TOPMed 0.00001; gnomAD 0.00004; 1000 Genomes Project 30x 0.00016; 1000 Genomes Project 0.00020.
gnomAD v4.1: 16 of 1,614,192 alleles (0.00099%); highest among the groups gnomAD compares: Middle Eastern, 0.017%; no homozygotes.

Submissions (3):

GeneDx
Classification: Uncertain significance. Last evaluated: 2024-05-03. Review status: criteria provided, single submitter. Criteria: GeneDx Variant Classification Process June 2021. Collection method: clinical testing. Allele origin: germline. Affected: yes.
Comment: Not observed at significant frequency in large population cohorts (gnomAD); In silico analysis supports that this missense variant has a deleterious effect on protein structure/function; In silico analysis supports that this missense variant has a deleterious effect on protein structure/function; Has not been previously published as pathogenic or benign to our knowledge

All of Us Research Program, National Institutes of Health
Classification: Uncertain significance for Wilson disease. Last evaluated: 2024-04-16. Review status: criteria provided, single submitter. Criteria: ACMG Guidelines, 2015. Collection method: clinical testing. Allele origin: germline. Inheritance: Autosomal recessive inheritance. Observed: 2 variant alleles, 2 heterozygotes.
Comment: This missense variant replaces arginine with cysteine at codon 1118 of the ATP7B protein. Computational prediction suggests that this variant may not impact protein structure and function (internally defined REVEL score threshold <= 0.5, PMID: 27666373). To our knowledge, functional studies have not been reported for this variant. This variant has not been reported in individuals affected with ATP7B-related disorders in the literature. This variant has been identified in 1/249558 chromosomes in the general population by the Genome Aggregation Database (gnomAD). The available evidence is insufficient to determine the role of this variant in disease conclusively. Therefore, this variant is classified as a Variant of Uncertain Significance.

This study involves interpretation of variants in research participants for the purpose of population health screening. Participant phenotype was not available at the time of variant classification. Additional details can be found in publication PMID: 35346344, PMCID: PMC8962531

Labcorp Genetics (formerly Invitae), Labcorp
Classification: Uncertain significance for Wilson disease. Last evaluated: 2022-08-23. Review status: criteria provided, single submitter. Criteria: Invitae Variant Classification Sherloc (09022015). Collection method: clinical testing. Allele origin: germline.
Comment: This sequence change replaces arginine, which is basic and polar, with cysteine, which is neutral and slightly polar, at codon 1118 of the ATP7B protein (p.Arg1118Cys). This variant is present in population databases (rs545284208, gnomAD 0.008%). This variant has not been reported in the literature in individuals affected with ATP7B-related conditions. Advanced modeling of protein sequence and biophysical properties (such as structural, functional, and spatial information, amino acid conservation, physicochemical variation, residue mobility, and thermodynamic stability) performed at Invitae indicates that this missense variant is not expected to disrupt ATP7B protein function. Algorithms developed to predict the effect of sequence changes on RNA splicing suggest that this variant may create or strengthen a splice site. In summary, the available evidence is currently insufficient to determine the role of this variant in disease. Therefore, it has been classified as a Variant of Uncertain Significance.